The following is an entry in ClinVar:

ClinVar aggregate classification (germline): Uncertain significance. Review status: criteria provided, multiple submitters, no conflicts (2 of 4 stars). 2 submissions from 2 submitters: Uncertain significance (2). Last evaluated 2022-12-30.

Conditions:
Brugada syndrome 5 (BRGDA5). Identifiers: Orphanet 130, Orphanet 871, MedGen C2748541, MONDO:0013015, OMIM 612838.

Allele frequency attached by ClinVar (database versions not stated): gnomAD exomes below 0.00001.
gnomAD v4.1: 7 of 1,613,908 alleles (0.00043%); highest among the groups gnomAD compares: Non-Finnish European, 0.00059%; no homozygotes.

Submissions (2):

GeneDx
Classification: Uncertain significance. Last evaluated: 2022-12-30. Review status: criteria provided, single submitter. Criteria: GeneDx Variant Classification Process June 2021. Collection method: clinical testing. Allele origin: germline. Affected: yes.
Comment: Not observed at significant frequency in large population cohorts (gnomAD); In silico analysis supports that this missense variant has a deleterious effect on protein structure/function; Has not been previously published as pathogenic or benign to our knowledge

Labcorp Genetics (formerly Invitae), Labcorp
Classification: Uncertain significance for Brugada syndrome 5. Last evaluated: 2020-03-10. Review status: criteria provided, single submitter. Criteria: Invitae Variant Classification Sherloc (09022015). Collection method: clinical testing. Allele origin: germline.
Comment: This sequence change replaces phenylalanine with leucine at codon 86 of the SCN1B protein (p.Phe86Leu). The phenylalanine residue is highly conserved and there is a small physicochemical difference between phenylalanine and leucine. This variant is not present in population databases (ExAC no frequency). This variant has not been reported in the literature in individuals with SCN1B-related disease. Algorithms developed to predict the effect of missense changes on protein structure and function are either unavailable or do not agree on the potential impact of this missense change (SIFT: "Deleterious"; PolyPhen-2: "Possibly Damaging"; Align-GVGD: "Class C15"). In summary, the available evidence is currently insufficient to determine the role of this variant in disease. Therefore, it has been classified as a Variant of Uncertain Significance.

NM_001037.5(SCN1B):c.256T>C (p.Phe86Leu)

Gene: SCN1B (sodium voltage-gated channel beta subunit 1; plus strand). Cytogenetic location: 19q13.11.
Variant type: single nucleotide variant.
Coding change: c.256T>C on transcript NM_001037.5 (MANE Select); coding-DNA position 256, T replaced by C.
Protein change: p.Phe86Leu; replaces phenylalanine 86 with leucine.
Molecular consequence: missense variant.
Genome position (GRCh38, 1-based): chr19:35,033,547, T>C. VCF-style: chr19-35033547-T-C. GRCh37 (hg19) VCF-style: chr19-35524451-T-C.
Other names: c.157T>C, p.Phe53Leu (NM_001321605.2); c.256T>C, p.Phe86Leu (NM_199037.5); c.256T>C (NM_001037.4); short protein forms F86L, F53L.
Identifiers: ClinVar variation 651308 (VCV000651308.9), dbSNP rs1600364421, ClinGen allele CA405328631.